The following is an entry in ClinVar:

ClinVar aggregate classification (germline): Uncertain significance (1 of 4 stars; one submission).

Allele frequency attached by ClinVar (database versions not stated): gnomAD exomes below 0.00001.
gnomAD v4.1: 2 of 1,614,142 alleles (0.00012%); highest among the groups gnomAD compares: South Asian, 0.0011%; no homozygotes.

Submission:

Labcorp Genetics (formerly Invitae), Labcorp
Classification: Uncertain significance. Last evaluated: 2023-06-23. Review status: criteria provided, single submitter. Criteria: Invitae Variant Classification Sherloc (09022015). Collection method: clinical testing. Allele origin: germline.
Comment: Algorithms developed to predict the effect of missense changes on protein structure and function output the following: SIFT: "Not Available"; PolyPhen-2: "Benign"; Align-GVGD: "Not Available". The threonine amino acid residue is found in multiple mammalian species, which suggests that this missense change does not adversely affect protein function. In summary, the available evidence is currently insufficient to determine the role of this variant in disease. Therefore, it has been classified as a Variant of Uncertain Significance. ClinVar contains an entry for this variant (Variation ID: 1376239). This sequence change replaces isoleucine, which is neutral and non-polar, with threonine, which is neutral and polar, at codon 572 of the VCAN protein (p.Ile572Thr). This variant is not present in population databases (gnomAD no frequency). This variant has not been reported in the literature in individuals affected with VCAN-related conditions.

NM_004385.5(VCAN):c.1715T>C (p.Ile572Thr)

Gene: VCAN (versican; plus strand). Cytogenetic location: 5q14.3.
Variant type: single nucleotide variant.
Coding change: c.1715T>C on transcript NM_004385.5 (MANE Select); coding-DNA position 1715, T replaced by C.
Protein change: p.Ile572Thr; replaces isoleucine 572 with threonine.
Molecular consequence: missense variant. On other transcripts: intron variant (2).
Genome position (GRCh38, 1-based): chr5:83,520,021, T>C. VCF-style: chr5-83520021-T-C. GRCh37 (hg19) VCF-style: chr5-82815840-T-C.
Other names: c.1715T>C, p.Ile572Thr (NM_001164098.2); c.1042+7625T>C (NM_001164097.2, NM_001126336.3); short protein forms I572T.
Identifiers: ClinVar variation 1376239 (VCV001376239.8), dbSNP rs2112408007, ClinGen allele CA360301644.